The following is an entry in ClinVar:

ClinVar aggregate classification (germline): Uncertain significance (1 of 4 stars; one submission).

Allele frequency attached by ClinVar (database versions not stated): TOPMed 0.00001.

Submission:

Labcorp Genetics (formerly Invitae), Labcorp
Classification: Uncertain significance. Last evaluated: 2022-03-23. Review status: criteria provided, single submitter. Criteria: Invitae Variant Classification Sherloc (09022015). Collection method: clinical testing. Allele origin: germline.
Comment: This sequence change replaces glutamic acid, which is acidic and polar, with lysine, which is basic and polar, at codon 361 of the THBD protein (p.Glu361Lys). In summary, the available evidence is currently insufficient to determine the role of this variant in disease. Therefore, it has been classified as a Variant of Uncertain Significance. Algorithms developed to predict the effect of missense changes on protein structure and function are either unavailable or do not agree on the potential impact of this missense change (SIFT: "Tolerated"; PolyPhen-2: "Possibly Damaging"; Align-GVGD: "Class C0"). This variant has not been reported in the literature in individuals affected with THBD-related conditions. This variant is not present in population databases (gnomAD no frequency).

NM_000361.3(THBD):c.1081G>A (p.Glu361Lys)

Gene: THBD (thrombomodulin; minus strand). Cytogenetic location: 20p11.21.
Variant type: single nucleotide variant.
Coding change: c.1081G>A on transcript NM_000361.3 (MANE Select); coding-DNA position 1081, G replaced by A.
Protein change: p.Glu361Lys; replaces glutamic acid 361 with lysine.
Molecular consequence: missense variant.
Genome position (GRCh38, 1-based): chr20:23,048,424, C>T on the plus strand (G>A on the coding strand, the complement: THBD is on the minus strand). VCF-style: chr20-23048424-C-T. GRCh37 (hg19) VCF-style: chr20-23029061-C-T.
Other names: short protein forms E361K.
Identifiers: ClinVar variation 1940332 (VCV001940332.5), dbSNP rs934215365, ClinGen allele CA313551075.